The following is an entry in ClinVar:

NM_032043.3(BRIP1):c.3427G>A (p.Asp1143Asn)

Gene: BRIP1 (BRCA1 interacting DNA helicase 1; minus strand). Cytogenetic location: 17q23.2.
Variant type: single nucleotide variant.
Coding change: c.3427G>A on transcript NM_032043.3 (MANE Select); coding-DNA position 3427, G replaced by A.
Protein change: p.Asp1143Asn; replaces aspartic acid 1143 with asparagine.
Molecular consequence: missense variant.
Genome position (GRCh38, 1-based): chr17:61,683,619, C>T on the plus strand (G>A on the coding strand, the complement: BRIP1 is on the minus strand). VCF-style: chr17-61683619-C-T. GRCh37 (hg19) VCF-style: chr17-59760980-C-T.
Other names: short protein forms D1143N.
Identifiers: ClinVar variation 940819 (VCV000940819.11), dbSNP rs1217932471, ClinGen allele CA400478753.

ClinVar aggregate classification (germline): Conflicting classifications of pathogenicity. Review status: criteria provided, conflicting classifications (1 of 4 stars). 2 submissions from 2 submitters: Uncertain significance (1); Likely benign (1). Last evaluated 2024-07-13.

Conditions:
Familial cancer of breast. Also called: hereditary breast carcinoma; BREAST CANCER, FAMILIAL; Hereditary breast cancer. Identifiers: Orphanet 227535, MedGen C0346153, MONDO:0016419, OMIM 114480. Disease mechanism: loss of function.
Fanconi anemia complementation group J. Also called: BRIP1-Related Fanconi Anemia. Identifiers: Orphanet 84, MedGen C1836860, MONDO:0012187, OMIM 609054.
Hereditary cancer-predisposing syndrome. Also called: Tumor predisposition; Hereditary neoplastic syndrome; Neoplastic Syndromes, Hereditary; Hereditary Cancer Syndrome. Identifiers: Orphanet 140162, MedGen C0027672, MeSH D009386, MONDO:0015356.

Submissions (2):

Ambry Genetics
Classification: Likely benign for Hereditary cancer-predisposing syndrome. Last evaluated: 2024-07-13. Review status: criteria provided, single submitter. Criteria: Ambry Variant Classification Scheme 2023. Collection method: clinical testing. Allele origin: germline.

Labcorp Genetics (formerly Invitae), Labcorp
Classification: Uncertain significance for Familial cancer of breast; Fanconi anemia complementation group J. Last evaluated: 2022-02-09. Review status: criteria provided, single submitter. Criteria: Invitae Variant Classification Sherloc (09022015). Collection method: clinical testing. Allele origin: germline.
Comment: Algorithms developed to predict the effect of missense changes on protein structure and function output the following: SIFT: "Tolerated"; PolyPhen-2: "Benign"; Align-GVGD: "Class C0". The asparagine amino acid residue is found in multiple mammalian species, which suggests that this missense change does not adversely affect protein function. ClinVar contains an entry for this variant (Variation ID: 940819). This variant has not been reported in the literature in individuals affected with BRIP1-related conditions. This variant is not present in population databases (gnomAD no frequency). This sequence change replaces aspartic acid, which is acidic and polar, with asparagine, which is neutral and polar, at codon 1143 of the BRIP1 protein (p.Asp1143Asn). In summary, the available evidence is currently insufficient to determine the role of this variant in disease. Therefore, it has been classified as a Variant of Uncertain Significance.